The following is an entry in ClinVar:

ClinVar aggregate classification (germline): Likely pathogenic. Review status: criteria provided, multiple submitters, no conflicts (2 of 4 stars). 2 submissions from 2 submitters: Likely pathogenic (2). Last evaluated 2023-10-19.
ClinVar aggregate classification (oncogenicity): Uncertain significance (1 of 4 stars; one submission).

Conditions:
Inborn genetic diseases. Identifiers: MedGen C0950123, MeSH D030342.
Neoplasm. Also called: tumor; Neoplasms; Neoplasm (disease). Identifiers: MedGen C0027651, MeSH D009369, MONDO:0005070, HP:0002664.

Submissions (3):

Center for Genomic Medicine, Rigshospitalet, Copenhagen University Hospital
Classification: Uncertain significance for Neoplasm. Last evaluated: 2025-03-04. Review status: criteria provided, single submitter. Criteria: ClinGen/CGC/VICC Guidelines for Oncogenicity, 2022. Collection method: clinical testing. Allele origin: somatic. Affected: yes.

Ambry Genetics
Classification: Likely pathogenic for Inborn genetic diseases. Last evaluated: 2023-10-19. Review status: criteria provided, single submitter. Criteria: Ambry Variant Classification Scheme 2023. Collection method: clinical testing. Allele origin: germline.
Comment: The c.895C>T (p.R299W) alteration is located in exon 4 (coding exon 3) of the GATA3 gene. This alteration results from a C to T substitution at nucleotide position 895, causing the arginine (R) at amino acid position 299 to be replaced by a tryptophan (W). This variant was not reported in population-based cohorts in the Genome Aggregation Database (gnomAD). This variant and another alteration at the same codon, c.896G>A (p.R299Q), have been described in individuals with features consistent with hypoparathyroidism-deafness-renal disease syndrome (Okawa, 2015; Belge, 2017; Ambry internal data). This amino acid position is highly conserved in available vertebrate species. This alteration is predicted to be deleterious by in silico analysis. Based on the available evidence, this alteration is classified as likely pathogenic.

Labcorp Genetics (formerly Invitae), Labcorp
Classification: Likely pathogenic. Last evaluated: 2022-05-13. Review status: criteria provided, single submitter. Criteria: Invitae Variant Classification Sherloc (09022015). Collection method: clinical testing. Allele origin: germline.
Comment: In summary, the currently available evidence indicates that the variant is pathogenic, but additional data are needed to prove that conclusively. Therefore, this variant has been classified as Likely Pathogenic. This variant disrupts the p.Arg299 amino acid residue in GATA3. Other variant(s) that disrupt this residue have been observed in individuals with GATA3-related conditions (PMID: 26514990, 27387476), which suggests that this may be a clinically significant amino acid residue. Algorithms developed to predict the effect of missense changes on protein structure and function (SIFT, PolyPhen-2, Align-GVGD) all suggest that this variant is likely to be disruptive. This missense change has been observed in individual(s) with clinical features of hypoparathyroidism, deafness, and renal dysplasia syndrome (Invitae). It has also been observed to segregate with disease in related individuals. This variant is not present in population databases (gnomAD no frequency). This sequence change replaces arginine, which is basic and polar, with tryptophan, which is neutral and slightly polar, at codon 299 of the GATA3 protein (p.Arg299Trp).

Literature cited by the submitters: PubMed 26514990 (cited by 3 submitters); PubMed 27387476 (cited by 3 submitters).

NM_001002295.2(GATA3):c.895C>T (p.Arg299Trp)

Gene: GATA3 (GATA binding protein 3; plus strand). Cytogenetic location: 10p14.
Variant type: single nucleotide variant.
Coding change: c.895C>T on transcript NM_001002295.2 (MANE Select); coding-DNA position 895, C replaced by T.
Protein change: p.Arg299Trp; replaces arginine 299 with tryptophan.
Molecular consequence: missense variant.
Genome position (GRCh38, 1-based): chr10:8,064,109, C>T. VCF-style: chr10-8064109-C-T. GRCh37 (hg19) VCF-style: chr10-8106072-C-T.
Other names: c.892C>T, p.Arg298Trp (NM_002051.3); c.895C>T (NM_001002295.1); short protein forms R299W, R298W.
Identifiers: ClinVar variation 1503589 (VCV001503589.9), dbSNP rs2131501111, ClinGen allele CA375973707.